The following is an entry in ClinVar:

NM_001159702.3(FHL1):c.-26-9571C>T

Gene: FHL1 (four and a half LIM domains 1; plus strand). Cytogenetic location: Xq26.3.
Variant type: single nucleotide variant.
Coding change: c.-26-9571C>T on transcript NM_001159702.3 (MANE Plus Clinical); 9571 bases into the intron before 26 bases upstream of the start codon, C replaced by T.
Molecular consequence: intron variant. On other transcripts: synonymous variant (1).
Genome position (GRCh38, 1-based): chrX:136,196,836, C>T. VCF-style: chrX-136196836-C-T. GRCh37 (hg19) VCF-style: chrX-135278995-C-T.
Other names: c.34C>T, p.Leu12= (NM_001159701.2); c.-26-9571C>T (NM_001449.5, NM_001159703.2, NM_001369326.1 and 7 more transcripts).
Identifiers: ClinVar variation 2661499 (VCV002661499.22), dbSNP rs2521108340, ClinGen allele CA2579709986.
Genomic context (GRCh38, chrX:136,196,836, plus strand): 5'-GAGTCCAAATTTTATTCCGGTACAGGGATGACTTTCTATGTGGCCTCTCTGGCTCTGGAG[C>T]TAATTTGGATGCTGAGTAGCCCCGCAGGTATTTATATGTAGCGTTTGGTATTTTTACTGG-3'

ClinVar aggregate classification (germline): Uncertain significance (1 of 4 stars; one submission).

Submission:

CeGaT Center for Human Genetics Tuebingen
Classification: Uncertain significance. Last evaluated: 2022-05-01. Review status: criteria provided, single submitter. Criteria: CeGaT Center For Human Genetics Tuebingen Variant Classification Criteria Version 2. Collection method: clinical testing. Allele origin: germline. Affected: yes. Observed: 1 variant allele.
Comment: FHL1: PM2:Supporting, BP4